The following is an entry in ClinVar:

NM_004656.4(BAP1):c.-10C>T

Gene: BAP1 (BRCA1 associated deubiquitinase 1; minus strand). Cytogenetic location: 3p21.1.
Variant type: single nucleotide variant.
Coding change: c.-10C>T on transcript NM_004656.4 (MANE Select); 10 bases upstream of the start codon, C replaced by T.
Molecular consequence: 5 prime UTR variant.
Genome position (GRCh38, 1-based): chr3:52,409,888, G>A on the plus strand (C>T on the coding strand, the complement: BAP1 is on the minus strand). VCF-style: chr3-52409888-G-A. GRCh37 (hg19) VCF-style: chr3-52443904-G-A.
Identifiers: ClinVar variation 346127 (VCV000346127.11), dbSNP rs200018055, ClinGen allele CA2437267.

ClinVar aggregate classification (germline): Benign/Likely benign. Review status: criteria provided, multiple submitters, no conflicts (2 of 4 stars). 6 submissions from 6 submitters: Benign (4); Likely benign (1). 1 of the submissions does not count toward it. Last evaluated 2025-02-01.

Conditions:
BAP1-related disorder. Also called: BAP1-related condition.
Hereditary cancer-predisposing syndrome. Also called: Neoplastic Syndromes, Hereditary; Tumor predisposition; Hereditary neoplastic syndrome; Hereditary Cancer Syndrome. Identifiers: Orphanet 140162, MedGen C0027672, MeSH D009386, MONDO:0015356.
BAP1-related tumor predisposition syndrome (TPDS1). Also called: Tumor susceptibility linked to germline BAP1 mutations; BAP1 tumor predisposition syndrome; TUMOR PREDISPOSITION SYNDROME 1; COMMON Syndrome. Identifiers: Orphanet 289539, MedGen C3280492, MONDO:0013692, OMIM 614327.

Allele frequency attached by ClinVar (database versions not stated): gnomAD 0.00009 and 0.00019; TOPMed 0.00010; ExAC 0.00024; gnomAD exomes 0.00025 and 0.00030; 1000 Genomes Project 30x 0.00094; 1000 Genomes Project 0.00120.
gnomAD v4.1: 454 of 1,606,490 alleles (0.028%); highest among the groups gnomAD compares: East Asian, 1%; 3 homozygotes.

Submissions (6):

KCCC/NGS Laboratory, Kuwait Cancer Control Center
Classification: Benign for BAP1-related tumor predisposition syndrome. Last evaluated: 2025-02-01. Review status: criteria provided, single submitter. Criteria: ACMG Guidelines, 2015. Collection method: clinical testing. Allele origin: germline. Affected: no.

Myriad Genetics, Inc.
Classification: Likely benign for BAP1-related tumor predisposition syndrome. Last evaluated: 2024-08-08. Review status: criteria provided, single submitter. Criteria: Myriad Autosomal Dominant, Autosomal Recessive and X-Linked Classification Criteria (2023). Collection method: clinical testing. Allele origin: unknown.
Comment: This variant is considered likely benign. Homozygosity has been confirmed in one or more individuals. As homozygosity for pathogenic variants in this gene is generally assumed to result in embryonic lethality, this variant is unlikely to be pathogenic.

Quest Diagnostics Nichols Institute San Juan Capistrano
Classification: Benign. Last evaluated: 2021-07-13. Review status: criteria provided, single submitter. Criteria: Quest Diagnostics criteria. Collection method: clinical testing. Allele origin: unknown.

Illumina Laboratory Services, Illumina
Classification: Benign for BAP1-related tumor predisposition syndrome. Last evaluated: 2018-01-13. Review status: criteria provided, single submitter. Criteria: ICSL Variant Classification Criteria 13 December 2019. Collection method: clinical testing. Allele origin: germline.
Comment: This variant was observed in the ICSL laboratory as part of a predisposition screen in an ostensibly healthy population. It had not been previously curated by ICSL or reported in the Human Gene Mutation Database (HGMD: prior to June 1st, 2018), and was therefore a candidate for classification through an automated scoring system. Utilizing variant allele frequency, disease prevalence and penetrance estimates, and inheritance mode, an automated score was calculated to assess if this variant is too frequent to cause the disease. Based on the score and internal cut-off values, a variant classified as benign is not then subjected to further curation. The score for this variant resulted in a classification of benign for this disease.

Color Diagnostics, LLC DBA Color Health
Classification: Benign for Hereditary cancer-predisposing syndrome. Last evaluated: 2016-10-25. Review status: criteria provided, single submitter. Criteria: ACMG Guidelines, 2015. Collection method: clinical testing. Allele origin: germline.

PreventionGenetics, part of Exact Sciences
Classification: Likely benign for BAP1-related condition. Last evaluated: 2024-04-27. Review status: no assertion criteria provided. Collection method: clinical testing. Allele origin: germline. Not counted in ClinVar's aggregate classification.
Comment: This variant is classified as likely benign based on ACMG/AMP sequence variant interpretation guidelines (Richards et al. 2015 PMID: 25741868, with internal and published modifications).